The following is an entry in ClinVar:

NM_000532.5(PCCB):c.177C>G (p.His59Gln)

Gene: PCCB (propionyl-CoA carboxylase subunit beta; plus strand). Cytogenetic location: 3q22.3.
Variant type: single nucleotide variant.
Coding change: c.177C>G on transcript NM_000532.5 (MANE Select); coding-DNA position 177, C replaced by G.
Protein change: p.His59Gln; replaces histidine 59 with glutamine.
Molecular consequence: missense variant.
Genome position (GRCh38, 1-based): chr3:136,250,552, C>G. VCF-style: chr3-136250552-C-G. GRCh37 (hg19) VCF-style: chr3-135969394-C-G.
Other names: c.177C>G (NM_000532.4); c.177C>G, p.His59Gln (NM_001178014.2); short protein forms H59Q.
Identifiers: ClinVar variation 1503067 (VCV001503067.9), dbSNP rs757134877, ClinGen allele CA2631598.

ClinVar aggregate classification (germline): Conflicting classifications of pathogenicity. Review status: criteria provided, conflicting classifications (1 of 4 stars). 2 submissions from 2 submitters: Likely pathogenic (1); Uncertain significance (1). Last evaluated 2026-01-28.

Conditions:
Propionic acidemia (PROP). Also called: GLYCINEMIA, KETOTIC; HYPERGLYCINEMIA WITH KETOACIDOSIS AND LEUKOPENIA; KETOTIC HYPERGLYCINEMIA. Identifiers: Orphanet 35, MedGen C0268579, MONDO:0011628, OMIM 606054, HP:0003571.
Inborn genetic diseases. Identifiers: MedGen C0950123, MeSH D030342.

Allele frequency attached by ClinVar (database versions not stated): gnomAD exomes below 0.00001 and 0.00001; ExAC 0.00001; gnomAD 0.00001; TOPMed 0.00001.
gnomAD v4.1: 8 of 1,611,826 alleles (0.0005%); highest among the groups gnomAD compares: Non-Finnish European, 0.00059%; no homozygotes.

Submissions (2):

Labcorp Genetics (formerly Invitae), Labcorp
Classification: Likely pathogenic for Propionic acidemia. Last evaluated: 2026-01-28. Review status: criteria provided, single submitter. Criteria: Invitae Variant Classification Sherloc (09022015). Collection method: clinical testing. Allele origin: germline.
Comment: This sequence change replaces histidine, which is basic and polar, with glutamine, which is neutral and polar, at codon 59 of the PCCB protein (p.His59Gln). This variant is present in population databases (rs757134877, gnomAD 0.003%). This missense change has been observed in individual(s) with propionic acidemia (internal data). In at least one individual the data is consistent with being in trans (on the opposite chromosome) from a pathogenic variant. ClinVar contains an entry for this variant (Variation ID: 1503067). Invitae Evidence Modeling of protein sequence and biophysical properties (such as structural, functional, and spatial information, amino acid conservation, physicochemical variation, residue mobility, and thermodynamic stability) has been performed for this missense variant. However, the output from this modeling did not meet the statistical confidence thresholds required to predict the impact of this variant on PCCB protein function. In summary, the currently available evidence indicates that the variant is pathogenic, but additional data are needed to prove that conclusively. Therefore, this variant has been classified as Likely Pathogenic.

Ambry Genetics
Classification: Uncertain significance for Inborn genetic diseases. Last evaluated: 2021-07-09. Review status: criteria provided, single submitter. Criteria: Ambry Variant Classification Scheme 2023. Collection method: clinical testing. Allele origin: germline.